The following is an entry in ClinVar:

NM_004304.5(ALK):c.2818G>A (p.Gly940Ser)

Gene: ALK (ALK receptor tyrosine kinase; minus strand). Cytogenetic location: 2p23.2.
Variant type: single nucleotide variant.
Coding change: c.2818G>A on transcript NM_004304.5 (MANE Select); coding-DNA position 2818, G replaced by A.
Protein change: p.Gly940Ser; replaces glycine 940 with serine.
Molecular consequence: missense variant.
Genome position (GRCh38, 1-based): chr2:29,227,670, C>T on the plus strand (G>A on the coding strand, the complement: ALK is on the minus strand). VCF-style: chr2-29227670-C-T. GRCh37 (hg19) VCF-style: chr2-29450536-C-T.
Other names: short protein forms G940S.
Identifiers: ClinVar variation 538183 (VCV000538183.9), dbSNP rs372008367, ClinGen allele CA44634686.

ClinVar aggregate classification (germline): Uncertain significance. Review status: criteria provided, multiple submitters, no conflicts (2 of 4 stars). 2 submissions from 2 submitters: Uncertain significance (2). Last evaluated 2025-09-05.

Conditions:
Hereditary cancer-predisposing syndrome. Also called: Neoplastic Syndromes, Hereditary; Tumor predisposition; Hereditary Cancer Syndrome; Hereditary neoplastic syndrome. Identifiers: Orphanet 140162, MedGen C0027672, MeSH D009386, MONDO:0015356.
Neuroblastoma, susceptibility to, 3. Also called: ALK-Related Neuroblastic Tumor Susceptibility. Identifiers: Orphanet 635, MedGen C2751681, MONDO:0013083, OMIM 613014.

Allele frequency attached by ClinVar (database versions not stated): ESP Exome Variant Server 0.00008.
gnomAD v4.1: 10 of 1,613,490 alleles (0.00062%); highest among the groups gnomAD compares: Admixed American, 0.0033%; no homozygotes.

Submissions (2):

Labcorp Genetics (formerly Invitae), Labcorp
Classification: Uncertain significance for Neuroblastoma, susceptibility to, 3. Last evaluated: 2025-09-05. Review status: criteria provided, single submitter. Criteria: Invitae Variant Classification Sherloc (09022015). Collection method: clinical testing. Allele origin: germline.
Comment: This sequence change replaces glycine, which is neutral and non-polar, with serine, which is neutral and polar, at codon 940 of the ALK protein (p.Gly940Ser). This variant is present in population databases (rs372008367, gnomAD 0.006%). This variant has not been reported in the literature in individuals affected with ALK-related conditions. ClinVar contains an entry for this variant (Variation ID: 538183). An algorithm developed to predict the effect of missense changes on protein structure and function (PolyPhen-2) suggests that this variant is likely to be disruptive. In summary, the available evidence is currently insufficient to determine the role of this variant in disease. Therefore, it has been classified as a Variant of Uncertain Significance.

Ambry Genetics
Classification: Uncertain significance for Hereditary cancer-predisposing syndrome. Last evaluated: 2025-06-09. Review status: criteria provided, single submitter. Criteria: Ambry Variant Classification Scheme 2023. Collection method: clinical testing. Allele origin: germline.
Comment: The p.G940S variant (also known as c.2818G>A), located in coding exon 17 of the ALK gene, results from a G to A substitution at nucleotide position 2818. The glycine at codon 940 is replaced by serine, an amino acid with similar properties. This amino acid position is highly conserved in available vertebrate species. In addition, the in silico prediction for this alteration is inconclusive. Based on the available evidence, the clinical significance of this variant remains unclear.